The following is an entry in ClinVar:

NM_014611.3(MDN1):c.6570A>C (p.Ser2190=)

Gene: MDN1 (midasin AAA ATPase 1; minus strand). Cytogenetic location: 6q15.
Variant type: single nucleotide variant.
Coding change: c.6570A>C on transcript NM_014611.3 (MANE Select); coding-DNA position 6570, A replaced by C.
Protein change: p.Ser2190=; no amino-acid change (serine 2190 retained).
Molecular consequence: synonymous variant.
Genome position (GRCh38, 1-based): chr6:89,718,379, T>G on the plus strand (A>C on the coding strand, the complement: MDN1 is on the minus strand). VCF-style: chr6-89718379-T-G. GRCh37 (hg19) VCF-style: chr6-90428098-T-G.
Identifiers: ClinVar variation 3043918 (VCV003043918.2), dbSNP rs9451264, ClinGen allele CA3924531.

ClinVar aggregate classification (germline): Benign (0 of 4 stars; one submission).

Conditions:
MDN1-related disorder. Also called: MDN1-related condition.

Allele frequency attached by ClinVar (database versions not stated): gnomAD exomes 0.00031; ExAC 0.00091; 1000 Genomes Project 0.00280; ESP Exome Variant Server 0.00300; gnomAD 0.00310; 1000 Genomes Project 30x 0.00312; TOPMed 0.00360.
gnomAD v4.1: 949 of 1,613,760 alleles (0.059%); highest among the groups gnomAD compares: African/African-American, 1.1%; 9 homozygotes.

Submission:

PreventionGenetics, part of Exact Sciences
Classification: Benign for MDN1-related condition. Last evaluated: 2019-06-04. Review status: no assertion criteria provided. Collection method: clinical testing. Allele origin: germline.
Comment: This variant is classified as benign based on ACMG/AMP sequence variant interpretation guidelines (Richards et al. 2015 PMID: 25741868, with internal and published modifications).